The following is an entry in ClinVar:

ClinVar aggregate classification (germline): Uncertain significance (1 of 4 stars; one submission).

Conditions:
Inborn genetic diseases. Identifiers: MedGen C0950123, MeSH D030342.

Submission:

Ambry Genetics
Classification: Uncertain significance for Inborn genetic diseases. Last evaluated: 2025-07-07. Review status: criteria provided, single submitter. Criteria: Ambry Variant Classification Scheme 2023. Collection method: clinical testing. Allele origin: germline.
Comment: The p.Q333H variant (also known as c.999G>C), located in coding exon 5 of the FANCM gene, results from a G to C substitution at nucleotide position 999. The glutamine at codon 333 is replaced by histidine, an amino acid with highly similar properties. This amino acid position is conserved. In addition, this alteration is predicted to be tolerated by in silico analysis. Based on the available evidence, the clinical significance of this variant remains unclear.

NM_020937.4(FANCM):c.999G>C (p.Gln333His)

Gene: FANCM (FA complementation group M; plus strand). Cytogenetic location: 14q21.2.
Variant type: single nucleotide variant.
Coding change: c.999G>C on transcript NM_020937.4 (MANE Select); coding-DNA position 999, G replaced by C.
Protein change: p.Gln333His; replaces glutamine 333 with histidine.
Molecular consequence: missense variant.
Genome position (GRCh38, 1-based): chr14:45,151,477, G>C. VCF-style: chr14-45151477-G-C. GRCh37 (hg19) VCF-style: chr14-45620680-G-C.
Other names: c.921G>C, p.Gln307His (NM_001308133.2); c.999G>C, p.Gln333His (NM_001308134.2); short protein forms Q333H, Q307H.
Identifiers: ClinVar variation 4254576 (VCV004254576.1).